The following is an entry in ClinVar:

NM_005918.4(MDH2):c.53G>T (p.Ser18Ile)

Gene: MDH2 (malate dehydrogenase 2; plus strand). Cytogenetic location: 7q11.23.
Variant type: single nucleotide variant.
Coding change: c.53G>T on transcript NM_005918.4 (MANE Select); coding-DNA position 53, G replaced by T.
Protein change: p.Ser18Ile; replaces serine 18 with isoleucine.
Molecular consequence: missense variant. On other transcripts: 5 prime UTR variant (1), non-coding transcript variant (1).
Genome position (GRCh38, 1-based): chr7:76,048,213, G>T. VCF-style: chr7-76048213-G-T. GRCh37 (hg19) VCF-style: chr7-75677531-G-T.
Other names: c.53G>T, p.Ser18Ile (NM_001282403.2); c.-100G>T (NM_001282404.2); short protein forms S18I.
Identifiers: ClinVar variation 3293826 (VCV003293826.1).

ClinVar aggregate classification (germline): Uncertain significance (1 of 4 stars; one submission).

Conditions:
Inborn genetic diseases. Identifiers: MedGen C0950123, MeSH D030342.

gnomAD v4.1: 4 of 1,535,798 alleles (0.00026%); highest among the groups gnomAD compares: Non-Finnish European, 0.00035%; no homozygotes.

Submission:

Ambry Genetics
Classification: Uncertain significance for Inborn genetic diseases. Last evaluated: 2024-03-28. Review status: criteria provided, single submitter. Criteria: Ambry Variant Classification Scheme 2023. Collection method: clinical testing. Allele origin: germline.
Comment: The p.S18I variant (also known as c.53G>T), located in coding exon 1 of the MDH2 gene, results from a G to T substitution at nucleotide position 53. The serine at codon 18 is replaced by isoleucine, an amino acid with dissimilar properties. This amino acid position is conserved. In addition, this alteration is predicted to be tolerated by in silico analysis. Based on the available evidence, the clinical significance of this alteration remains unclear.